The following is an entry in ClinVar:

ClinVar aggregate classification (germline): Uncertain significance (1 of 4 stars; one submission).

Conditions:
Familial encephalopathy with neuroserpin inclusion bodies. Also called: ENCEPHALOPATHY, FAMILIAL, WITH COLLINS BODIES. Identifiers: Orphanet 85110, MedGen C1858680, MONDO:0011412, OMIM 604218.

Allele frequency attached by ClinVar (database versions not stated): gnomAD exomes below 0.00001; gnomAD 0.00001; TOPMed 0.00001.
gnomAD v4.1: 4 of 1,612,264 alleles (0.00025%); highest among the groups gnomAD compares: Non-Finnish European, 0.00034%; no homozygotes.

Submission:

Labcorp Genetics (formerly Invitae), Labcorp
Classification: Uncertain significance for Familial encephalopathy with neuroserpin inclusion bodies. Last evaluated: 2024-05-13. Review status: criteria provided, single submitter. Criteria: Invitae Variant Classification Sherloc (09022015). Collection method: clinical testing. Allele origin: germline.
Comment: This sequence change falls in intron 3 of the SERPINI1 gene. It does not directly change the encoded amino acid sequence of the SERPINI1 protein. This variant is not present in population databases (gnomAD no frequency). This variant has not been reported in the literature in individuals affected with SERPINI1-related conditions. ClinVar contains an entry for this variant (Variation ID: 1524594). Algorithms developed to predict the effect of sequence changes on RNA splicing suggest that this variant may disrupt the consensus splice site. In summary, the available evidence is currently insufficient to determine the role of this variant in disease. Therefore, it has been classified as a Variant of Uncertain Significance.

NM_001122752.2(SERPINI1):c.482-5A>G

Gene: SERPINI1 (serpin family I member 1; plus strand). Cytogenetic location: 3q26.1.
Variant type: single nucleotide variant.
Coding change: c.482-5A>G on transcript NM_001122752.2 (MANE Select); 5 bases into the intron before coding-DNA position 482, A replaced by G.
Molecular consequence: intron variant.
Genome position (GRCh38, 1-based): chr3:167,792,585, A>G. VCF-style: chr3-167792585-A-G. GRCh37 (hg19) VCF-style: chr3-167510373-A-G.
Other names: c.482-5A>G (NM_005025.5).
Identifiers: ClinVar variation 1524594 (VCV001524594.8), dbSNP rs1382961035, ClinGen allele CA902261996.